The following is an entry in ClinVar:

NM_005460.4(SNCAIP):c.1817G>A (p.Arg606Gln)

Genes: SNCAIP (synuclein alpha interacting protein; plus strand), SNCAIP-AS3 (SNCAIP antisense RNA 3; minus strand). Cytogenetic location: 5q23.2.
Variant type: single nucleotide variant.
Coding change: c.1817G>A on transcript NM_005460.4 (MANE Select); coding-DNA position 1817, G replaced by A.
Protein change: p.Arg606Gln; replaces arginine 606 with glutamine.
Molecular consequence: missense variant. On other transcripts: non-coding transcript variant (3).
Genome position (GRCh38, 1-based): chr5:122,450,664, G>A. VCF-style: chr5-122450664-G-A. GRCh37 (hg19) VCF-style: chr5-121786359-G-A.
Other names: c.719G>A, p.Arg240Gln (NM_001242935.3, NM_001308107.2); c.1958G>A, p.Arg653Gln (NM_001308100.2); c.1637G>A, p.Arg546Gln (NM_001308105.1); c.713G>A, p.Arg238Gln (NM_001308106.1); c.899G>A, p.Arg300Gln (NM_001308108.1); c.605G>A, p.Arg202Gln (NM_001308109.2); short protein forms R202Q, R606Q, R653Q, R238Q, R240Q, R546Q, R300Q.
Identifiers: ClinVar variation 907845 (VCV000907845.4), dbSNP rs144492699, ClinGen allele CA3384994.

ClinVar aggregate classification (germline): Uncertain significance (1 of 4 stars; one submission).

Conditions:
Parkinson Disease, Dominant/Recessive.

Allele frequency attached by ClinVar (database versions not stated): TOPMed 0.00037; gnomAD 0.00040 and 0.00043; ESP Exome Variant Server 0.00046; gnomAD exomes 0.00048 and 0.00062; ExAC 0.00056.
gnomAD v4.1: 955 of 1,614,056 alleles (0.059%); highest among the groups gnomAD compares: Non-Finnish European, 0.076%; 1 homozygote.

Submission:

Illumina Laboratory Services, Illumina
Classification: Uncertain significance for Parkinson Disease, Dominant/Recessive. Last evaluated: 2017-04-28. Review status: criteria provided, single submitter. Criteria: ICSL Variant Classification Criteria 13 December 2019. Collection method: clinical testing. Allele origin: germline.
Comment: This variant was observed as part of a predisposition screen in an ostensibly healthy population. A literature search was performed for the gene, cDNA change, and amino acid change (where applicable). Publications were found based on this search. However, the evidence from the literature, in combination with allele frequency data from public databases where available, was not sufficient to rule this variant in or out of causing disease. Therefore, this variant is classified as a variant of unknown significance.

Literature cited by the submitters: PubMed 21344240.